The following is an entry in ClinVar:

ClinVar aggregate classification (germline): Uncertain significance (1 of 4 stars; one submission).

Submission:

GeneDx
Classification: Uncertain significance. Last evaluated: 2026-03-14. Review status: criteria provided, single submitter. Criteria: GeneDx Variant Classification Process June 2021. Collection method: clinical testing. Allele origin: germline.
Comment: Not observed at significant frequency in large population cohorts (gnomAD); In silico analysis supports that this missense variant has a deleterious effect on protein structure/function; Has not been previously published as pathogenic or benign to our knowledge

NM_001292034.3(TAB2):c.2018G>A (p.Cys673Tyr)

Gene: TAB2 (TGF-beta activated kinase 1 (MAP3K7) binding protein 2; plus strand). Cytogenetic location: 6q25.1.
Variant type: single nucleotide variant.
Coding change: c.2018G>A on transcript NM_001292034.3 (MANE Select); coding-DNA position 2018, G replaced by A.
Protein change: p.Cys673Tyr; replaces cysteine 673 with tyrosine.
Molecular consequence: missense variant.
Genome position (GRCh38, 1-based): chr6:149,409,655, G>A. VCF-style: chr6-149409655-G-A. GRCh37 (hg19) VCF-style: chr6-149730791-G-A.
Other names: c.1922G>A, p.Cys641Tyr (NM_001292035.3); c.2018G>A, p.Cys673Tyr (NM_001369506.1, NM_015093.6); short protein forms C641Y, C673Y.
Identifiers: ClinVar variation 5009232 (VCV005009232.1).